The following is an entry in ClinVar:

ClinVar aggregate classification (germline): Uncertain significance (1 of 4 stars; one submission).

Conditions:
Inborn genetic diseases. Identifiers: MedGen C0950123, MeSH D030342.

gnomAD v4.1: 12 of 1,614,056 alleles (0.00074%); highest among the groups gnomAD compares: Admixed American, 0.0017%; no homozygotes.

Submission:

Ambry Genetics
Classification: Uncertain significance for Inborn genetic diseases. Last evaluated: 2024-11-26. Review status: criteria provided, single submitter. Criteria: Ambry Variant Classification Scheme 2023. Collection method: clinical testing. Allele origin: germline.
Comment: The p.S597L variant (also known as c.1790C>T), located in coding exon 8 of the MECOM gene, results from a C to T substitution at nucleotide position 1790. The serine at codon 597 is replaced by leucine, an amino acid with dissimilar properties. This amino acid position is conserved. In addition, this alteration is predicted to be tolerated by in silico analysis. Based on the available evidence, the clinical significance of this variant remains unclear.

NM_004991.4(MECOM):c.1790C>T (p.Ser597Leu)

Gene: MECOM (MDS1 and EVI1 complex locus; minus strand). Cytogenetic location: 3q26.2.
Variant type: single nucleotide variant.
Coding change: c.1790C>T on transcript NM_004991.4 (MANE Select); coding-DNA position 1790, C replaced by T.
Protein change: p.Ser597Leu; replaces serine 597 with leucine.
Molecular consequence: missense variant. On other transcripts: intron variant (2).
Genome position (GRCh38, 1-based): chr3:169,116,082, G>A on the plus strand (C>T on the coding strand, the complement: MECOM is on the minus strand). VCF-style: chr3-169116082-G-A. GRCh37 (hg19) VCF-style: chr3-168833870-G-A.
Other names: c.1421C>T, p.Ser474Leu (NM_001105077.4); c.1226C>T, p.Ser409Leu (NM_001105078.4, NM_001164000.2, NM_001205194.2 and 4 more transcripts); c.1229C>T, p.Ser410Leu (NM_001163999.2, NM_001366467.2, NM_001366468.2 and 1 more transcripts); c.1790C>T, p.Ser597Leu (NM_001366466.2); c.1133-315C>T (NM_001366473.2); c.569-315C>T (NM_001366474.2); short protein forms S410L, S597L, S474L, S409L.
Identifiers: ClinVar variation 3394328 (VCV003394328.1).